The following is an entry in ClinVar:

NM_198525.3(KIF7):c.3851G>C (p.Gly1284Ala)

Gene: KIF7 (kinesin family member 7; minus strand). Cytogenetic location: 15q26.1.
Variant type: single nucleotide variant.
Coding change: c.3851G>C on transcript NM_198525.3 (MANE Select); coding-DNA position 3851, G replaced by C.
Protein change: p.Gly1284Ala; replaces glycine 1284 with alanine.
Molecular consequence: missense variant.
Genome position (GRCh38, 1-based): chr15:89,628,600, C>G on the plus strand (G>C on the coding strand, the complement: KIF7 is on the minus strand). VCF-style: chr15-89628600-C-G. GRCh37 (hg19) VCF-style: chr15-90171831-C-G.
Other names: short protein forms G1284A.
Identifiers: ClinVar variation 2149915 (VCV002149915.1), dbSNP rs544791294, ClinGen allele CA7727505.

ClinVar aggregate classification (germline): Uncertain significance (1 of 4 stars; one submission).

Conditions:
Acrocallosal syndrome (ACLS). Also called: HALLUX DUPLICATION, POSTAXIAL POLYDACTYLY, AND ABSENCE OF CORPUS CALLOSUM; Schinzel syndrome 1; Absence of corpus callosum with unusual facial appearance, mental deficiency, duplication of the halluces and polydactyly. Identifiers: Orphanet 36, MedGen C0796147, MONDO:0008708, OMIM 200990.

Allele frequency attached by ClinVar (database versions not stated): TOPMed 0.00001; gnomAD 0.00004; ExAC 0.00006; 1000 Genomes Project 30x 0.00031; 1000 Genomes Project 0.00040.

Submission:

Labcorp Genetics (formerly Invitae), Labcorp
Classification: Uncertain significance for Acrocallosal syndrome. Last evaluated: 2022-07-31. Review status: criteria provided, single submitter. Criteria: Invitae Variant Classification Sherloc (09022015). Collection method: clinical testing. Allele origin: germline.
Comment: This sequence change replaces glycine, which is neutral and non-polar, with alanine, which is neutral and non-polar, at codon 1284 of the KIF7 protein (p.Gly1284Ala). This variant is present in population databases (rs544791294, gnomAD 0.05%). This variant has not been reported in the literature in individuals affected with KIF7-related conditions. Algorithms developed to predict the effect of missense changes on protein structure and function (SIFT, PolyPhen-2, Align-GVGD) all suggest that this variant is likely to be tolerated. In summary, the available evidence is currently insufficient to determine the role of this variant in disease. Therefore, it has been classified as a Variant of Uncertain Significance.